The following is an entry in ClinVar:

NM_178857.6(RP1L1):c.330dup (p.Lys111fs)

Gene: RP1L1 (RP1 like 1). Cytogenetic location: 8p23.1.
Variant type: Duplication.
Coding change: c.330dup on transcript NM_178857.6 (MANE Select); coding-DNA position 330, one base duplicated.
Protein change: p.Lys111fs; shifts the reading frame from lysine 111.
Molecular consequence: frameshift variant.
Genome position: GRCh38 VCF-style: chr8-10622871-T-TG. GRCh37 (hg19) VCF-style: chr8-10480381-T-TG.
Other names: c.330dupC (NM_178857.5, NM_178857.6); short protein forms K111fs.
Identifiers: ClinVar variation 1333246 (VCV001333246.14), dbSNP rs770312128, ClinGen allele CA4625753.
Genomic context (GRCh38, chr8:10,622,871, plus strand): 5'-CCCGCAACTGCTGAGCAGTGGGGTTTCTCTCCTGTGGCCGGCCTGGTCCACTGGGGGTCT[T>TG]GGGGGGCTTCTTATCAGAGCAGAGGTAGCAGCCTCCATCTTCCAGCTGCTCCAGGGCGCT-3'

ClinVar aggregate classification (germline): Conflicting classifications of pathogenicity. Review status: criteria provided, conflicting classifications (1 of 4 stars). 6 submissions from 6 submitters: Likely pathogenic (3); Uncertain significance (3). Last evaluated 2025-06-12.

Conditions:
RP1L1-related disorder. Also called: RP1L1-related condition.
Retinitis pigmentosa 88. Identifiers: MedGen C5394208, MONDO:0032940, OMIM 618826.
Retinal dystrophy. Also called: Inherited retinal dystrophy. Identifiers: Orphanet 71862, MedGen C0854723, MeSH D058499, MONDO:0019118, HP:0000556.

Submissions (6):

PreventionGenetics, part of Exact Sciences
Classification: Likely pathogenic for RP1L1-related condition. Last evaluated: 2025-06-12. Review status: criteria provided, single submitter. Criteria: ACMG Guidelines, 2015. Collection method: clinical testing. Allele origin: germline.
Comment: The RP1L1 c.330dupC variant is predicted to result in a frameshift and premature protein termination (p.Lys111Glnfs*27). This variant has been reported in the homozygous state in an individual with retinitis pigmentosa (Table S4, Panneman et al. 2023. PubMed ID: 36819107). This variant is reported in 0.023% of alleles in individuals of South Asian descent in gnomAD. Frameshift variants in RP1L1 are expected to be pathogenic. This variant is interpreted as likely pathogenic.

Clinical Genetics Laboratory, Skane University Hospital Lund
Classification: Likely pathogenic. Last evaluated: 2024-01-02. Review status: criteria provided, single submitter. Criteria: ACMG Guidelines, 2015. Collection method: clinical testing. Allele origin: germline. Affected: yes.

Blueprint Genetics
Classification: Uncertain significance. Last evaluated: 2023-11-14. Review status: criteria provided, single submitter. Criteria: ACMG Guidelines, 2015. Collection method: clinical testing. Allele origin: germline.

Dept Of Ophthalmology, Nagoya University
Classification: Uncertain significance for Retinal dystrophy. Last evaluated: 2023-10-01. Review status: criteria provided, single submitter. Criteria: Submitter's publication. Collection method: research. Allele origin: germline. Affected: yes.

Labcorp Genetics (formerly Invitae), Labcorp
Classification: Uncertain significance. Last evaluated: 2022-08-24. Review status: criteria provided, single submitter. Criteria: Invitae Variant Classification Sherloc (09022015). Collection method: clinical testing. Allele origin: germline.
Comment: In summary, the available evidence is currently insufficient to determine the role of this variant in disease. Therefore, it has been classified as a Variant of Uncertain Significance. ClinVar contains an entry for this variant (Variation ID: 1333246). This premature translational stop signal has been observed in individual(s) with retinitis pigmentosa (PMID: 27029556, 31087526). This variant is present in population databases (rs770312128, gnomAD 0.02%). This sequence change creates a premature translational stop signal (p.Lys111Glnfs*27) in the RP1L1 gene. It is expected to result in an absent or disrupted protein product. However, the current clinical and genetic evidence is not sufficient to establish whether loss-of-function variants in RP1L1 cause disease.

3billion
Classification: Likely pathogenic for Retinitis pigmentosa 88. Last evaluated: 2022-01-03. Review status: criteria provided, single submitter. Criteria: ACMG Guidelines, 2015. Collection method: clinical testing. Allele origin: germline. Affected: yes. Observed: 1 heterozygote.
Comment: Frameshift: predicted to result in a loss or disruption of normal protein function through nonsense-mediated decay (NMD) or protein truncation. Multiple pathogenic variants are reported downstream of the variant (PVS1_VS). It is observed at an extremely low frequency in the gnomAD v2.1.1 dataset (total allele frequency: 0.000041, PM2_M). Therefore, this variant is classified as likely pathogenic according to the recommendation of ACMG/AMP guideline.

Literature cited by the submitters: PubMed 27029556 (cited by Labcorp Genetics (formerly Invitae), Labcorp); PubMed 31087526 (cited by Labcorp Genetics (formerly Invitae), Labcorp).